The following is an entry in ClinVar:

ClinVar aggregate classification (germline): Pathogenic. Review status: criteria provided, single submitter (1 of 4 stars). 2 submissions from 2 submitters: Pathogenic (1). 1 of the submissions does not count toward it. Last evaluated 2022-01-03.

Conditions:
Hypotonia, infantile, with psychomotor retardation and characteristic facies 3 (IHPRF3). Also called: TBCK-Related Neurodevelopmental Disorder. Identifiers: Orphanet 488632, MedGen C5567480, MONDO:0014823, OMIM 616900.

Submissions (2):

3billion
Classification: Pathogenic for Hypotonia, infantile, with psychomotor retardation and characteristic facies 3. Last evaluated: 2022-01-03. Review status: criteria provided, single submitter. Criteria: ACMG Guidelines, 2015. Collection method: clinical testing. Allele origin: germline. Affected: yes. Observed: 1 homozygote.
Comment: Stop-gained (nonsense): predicted to result in a loss or disruption of normal protein function through nonsense-mediated decay (NMD) or protein truncation. Multiple pathogenic variants are reported downstream of the variant (PVS1_VS). It is not observed in the gnomAD v2.1.1 dataset (PM2_M). Therefore, this variant is classified as pathogenic according to the recommendation of ACMG/AMP guideline.

Human Genome and Stem Cell Research Center, Department of Genetics and Evolutionary Biology, Institute of Biosciences, University of São Paulo
Classification: Pathogenic for Hypotonia, infantile, with psychomotor retardation and characteristic facies 3. Review status: no assertion criteria provided. Collection method: clinical testing. Allele origin: paternal. Inheritance: Autosomal recessive inheritance. Affected: yes. Not counted in ClinVar's aggregate classification.

NM_001163435.3(TBCK):c.2130C>G (p.Tyr710Ter)

Gene: TBCK (TBC1 domain containing kinase; minus strand). Cytogenetic location: 4q24.
Variant type: single nucleotide variant.
Coding change: c.2130C>G on transcript NM_001163435.3 (MANE Select); coding-DNA position 2130, C replaced by G.
Protein change: p.Tyr710Ter; replaces tyrosine 710 with a stop codon.
Molecular consequence: nonsense.
Genome position (GRCh38, 1-based): chr4:106,171,200, G>C on the plus strand (C>G on the coding strand, the complement: TBCK is on the minus strand). VCF-style: chr4-106171200-G-C. GRCh37 (hg19) VCF-style: chr4-107092357-G-C.
Other names: c.2130C>G, p.Tyr710Ter (NM_001163436.4); c.2013C>G, p.Tyr671Ter (NM_001163437.3); c.1614C>G, p.Tyr538Ter (NM_001290768.2); c.1941C>G, p.Tyr647Ter (NM_033115.5); short protein forms Y538*, Y647*, Y671*, Y710*.
Identifiers: ClinVar variation 1327512 (VCV001327512.4), dbSNP rs1750962854, ClinGen allele CA357819446.